The following is an entry in ClinVar:

ClinVar aggregate classification (germline): Uncertain significance (1 of 4 stars; one submission).

gnomAD v4.1: 12 of 1,614,070 alleles (0.00074%); highest among the groups gnomAD compares: Non-Finnish European, 0.001%; no homozygotes.

Submission:

Labcorp Genetics (formerly Invitae), Labcorp
Classification: Uncertain significance. Last evaluated: 2021-12-29. Review status: criteria provided, single submitter. Criteria: Invitae Variant Classification Sherloc (09022015). Collection method: clinical testing. Allele origin: germline.
Comment: This sequence change replaces histidine, which is basic and polar, with arginine, which is basic and polar, at codon 2139 of the CPLANE1 protein (p.His2139Arg). This variant is present in population databases (no rsID available, gnomAD 0.0009%). This variant has not been reported in the literature in individuals affected with CPLANE1-related conditions. Advanced modeling of protein sequence and biophysical properties (such as structural, functional, and spatial information, amino acid conservation, physicochemical variation, residue mobility, and thermodynamic stability) performed at Invitae indicates that this missense variant is not expected to disrupt CPLANE1 protein function. In summary, the available evidence is currently insufficient to determine the role of this variant in disease. Therefore, it has been classified as a Variant of Uncertain Significance.

NM_001384732.1(CPLANE1):c.6416A>G (p.His2139Arg)

Gene: CPLANE1 (ciliogenesis and planar polarity effector complex subunit 1; minus strand). Cytogenetic location: 5p13.2.
Variant type: single nucleotide variant.
Coding change: c.6416A>G on transcript NM_001384732.1 (MANE Select); coding-DNA position 6416, A replaced by G.
Protein change: p.His2139Arg; replaces histidine 2139 with arginine.
Molecular consequence: missense variant.
Genome position (GRCh38, 1-based): chr5:37,170,087, T>C on the plus strand (A>G on the coding strand, the complement: CPLANE1 is on the minus strand). VCF-style: chr5-37170087-T-C. GRCh37 (hg19) VCF-style: chr5-37170189-T-C.
Other names: c.6416A>G, p.His2139Arg (NM_023073.4); short protein forms H2139R.
Identifiers: ClinVar variation 1386737 (VCV001386737.7), dbSNP rs1017787313, ClinGen allele CA117055464.